The following is an entry in ClinVar:

ClinVar aggregate classification (germline): Uncertain significance (1 of 4 stars; one submission).

Submission:

Labcorp Genetics (formerly Invitae), Labcorp
Classification: Uncertain significance. Last evaluated: 2022-02-10. Review status: criteria provided, single submitter. Criteria: Invitae Variant Classification Sherloc (09022015). Collection method: clinical testing. Allele origin: germline.
Comment: This variant results in a copy number gain of the genomic region encompassing exon(s) 1-74 of the ADGRV1 gene. This region includes the initiator codon of the gene. This copy number gain extends beyond the assayed region for this gene and therefore may encompass additional genes. As the precise location of this event is unknown, it may be in tandem or it may be located elsewhere in the genome. This variant has not been reported in the literature in individuals affected with ADGRV1-related conditions. In summary, the available evidence is currently insufficient to determine the role of this variant in disease. Therefore, it has been classified as a Variant of Uncertain Significance.

NC_000005.10:g.(?_90394064)_(90811338_?)dup

Genes: ADGRV1 (adhesion G protein-coupled receptor V1; plus strand), CETN3 (centrin 3; minus strand), LYSMD3 (LysM domain containing 3; minus strand), MBLAC2 (metallo-beta-lactamase domain containing 2; minus strand), POLR3G (RNA polymerase III subunit G; plus strand). Cytogenetic location: 5q14.3.
Variant type: Duplication.
Identifiers: ClinVar variation 832631 (VCV000832631.6).